The following is an entry in ClinVar:

ClinVar aggregate classification (germline): Uncertain significance. Review status: criteria provided, multiple submitters, no conflicts (2 of 4 stars). 2 submissions from 2 submitters: Uncertain significance (2). Last evaluated 2024-11-03.

Conditions:
Inborn genetic diseases. Identifiers: MedGen C0950123, MeSH D030342.

Allele frequency attached by ClinVar (database versions not stated): TOPMed below 0.00001; gnomAD 0.00001.
gnomAD v4.1: 2 of 1,614,060 alleles (0.00012%); highest among the groups gnomAD compares: East Asian, 0.0022%; no homozygotes.

Submissions (2):

Ambry Genetics
Classification: Uncertain significance for Inborn genetic diseases. Last evaluated: 2024-11-03. Review status: criteria provided, single submitter. Criteria: Ambry Variant Classification Scheme 2023. Collection method: clinical testing. Allele origin: germline.
Comment: The p.Y929C variant (also known as c.2786A>G), located in coding exon 13 of the ATR gene, results from an A to G substitution at nucleotide position 2786. The tyrosine at codon 929 is replaced by cysteine, an amino acid with highly dissimilar properties. This amino acid position is conserved. In addition, this alteration is predicted to be deleterious by in silico analysis. Since supporting evidence is limited at this time, the clinical significance of this alteration remains unclear.

Labcorp Genetics (formerly Invitae), Labcorp
Classification: Uncertain significance. Last evaluated: 2024-03-04. Review status: criteria provided, single submitter. Criteria: Invitae Variant Classification Sherloc (09022015). Collection method: clinical testing. Allele origin: germline.
Comment: This sequence change replaces tyrosine, which is neutral and polar, with cysteine, which is neutral and slightly polar, at codon 929 of the ATR protein (p.Tyr929Cys). This variant is not present in population databases (gnomAD no frequency). This variant has not been reported in the literature in individuals affected with ATR-related conditions. ClinVar contains an entry for this variant (Variation ID: 1795980). An algorithm developed to predict the effect of missense changes on protein structure and function (PolyPhen-2) suggests that this variant is likely to be disruptive. In summary, the available evidence is currently insufficient to determine the role of this variant in disease. Therefore, it has been classified as a Variant of Uncertain Significance.

NM_001184.4(ATR):c.2786A>G (p.Tyr929Cys)

Gene: ATR (ATR checkpoint kinase; minus strand). Cytogenetic location: 3q23.
Variant type: single nucleotide variant.
Coding change: c.2786A>G on transcript NM_001184.4 (MANE Select); coding-DNA position 2786, A replaced by G.
Protein change: p.Tyr929Cys; replaces tyrosine 929 with cysteine.
Molecular consequence: missense variant.
Genome position (GRCh38, 1-based): chr3:142,553,246, T>C on the plus strand (A>G on the coding strand, the complement: ATR is on the minus strand). VCF-style: chr3-142553246-T-C. GRCh37 (hg19) VCF-style: chr3-142272088-T-C.
Other names: c.2594A>G, p.Tyr865Cys (NM_001354579.2); short protein forms Y865C, Y929C.
Identifiers: ClinVar variation 1795980 (VCV001795980.5), dbSNP rs1463033167, ClinGen allele CA354814227.